The following is an entry in ClinVar:

NM_000038.6(APC):c.4084T>A (p.Ser1362Thr)

Gene: APC (APC regulator of Wnt signaling pathway; plus strand). Cytogenetic location: 5q22.2.
Variant type: single nucleotide variant.
Coding change: c.4084T>A on transcript NM_000038.6 (MANE Select); coding-DNA position 4084, T replaced by A.
Protein change: p.Ser1362Thr; replaces serine 1362 with threonine.
Molecular consequence: missense variant.
Genome position (GRCh38, 1-based): chr5:112,839,678, T>A. VCF-style: chr5-112839678-T-A. GRCh37 (hg19) VCF-style: chr5-112175375-T-A.
Other names: c.4084T>A, p.Ser1362Thr (NM_001127510.3, NM_001354895.2); c.4030T>A, p.Ser1344Thr (NM_001127511.3); c.4138T>A, p.Ser1380Thr (NM_001354896.2); c.4114T>A, p.Ser1372Thr (NM_001354897.2); c.4009T>A, p.Ser1337Thr (NM_001354898.2); c.4000T>A, p.Ser1334Thr (NM_001354899.2); c.3961T>A, p.Ser1321Thr (NM_001354900.2); c.3907T>A, p.Ser1303Thr (NM_001354901.2); and 5 more; short protein forms S1079T, S1236T, S1271T, S1321T, S1337T, S1344T, S1362T, S1372T.
Identifiers: ClinVar variation 824576 (VCV000824576.15), dbSNP rs1580643803, ClinGen allele CA16030275.

ClinVar aggregate classification (germline): Uncertain significance. Review status: criteria provided, multiple submitters, no conflicts (2 of 4 stars). 2 submissions from 2 submitters: Uncertain significance (2). Last evaluated 2023-11-16.

Conditions:
Hereditary cancer-predisposing syndrome. Also called: Neoplastic Syndromes, Hereditary; Tumor predisposition; Hereditary neoplastic syndrome; Hereditary Cancer Syndrome. Identifiers: Orphanet 140162, MedGen C0027672, MeSH D009386, MONDO:0015356.
Familial adenomatous polyposis 1 (FAP1). Also called: POLYPOSIS, ADENOMATOUS INTESTINAL; FAMILIAL ADENOMATOUS POLYPOSIS 1, ATTENUATED. Identifiers: MedGen C2713442, MONDO:0021056, OMIM 175100. Disease mechanism: loss of function.

Submissions (2):

Ambry Genetics
Classification: Uncertain significance for Hereditary cancer-predisposing syndrome. Last evaluated: 2023-11-16. Review status: criteria provided, single submitter. Criteria: Ambry Variant Classification Scheme 2023. Collection method: clinical testing. Allele origin: germline.
Comment: The p.S1362T variant (also known as c.4084T>A), located in coding exon 15 of the APC gene, results from a T to A substitution at nucleotide position 4084. The serine at codon 1362 is replaced by threonine, an amino acid with similar properties. This amino acid position is well conserved in available vertebrate species. In addition, in silico predictors for this gene do not accurately predict pathogenicity. Since supporting evidence is limited at this time, the clinical significance of this alteration remains unclear.

Labcorp Genetics (formerly Invitae), Labcorp
Classification: Uncertain significance for Familial adenomatous polyposis 1. Last evaluated: 2020-02-19. Review status: criteria provided, single submitter. Criteria: Invitae Variant Classification Sherloc (09022015). Collection method: clinical testing. Allele origin: germline.
Comment: This sequence change replaces serine with threonine at codon 1362 of the APC protein (p.Ser1362Thr). The serine residue is highly conserved and there is a small physicochemical difference between serine and threonine. This variant is not present in population databases (ExAC no frequency). This variant has not been reported in the literature in individuals with APC-related conditions. Algorithms developed to predict the effect of missense changes on protein structure and function are either unavailable or do not agree on the potential impact of this missense change (SIFT: "Deleterious"; PolyPhen-2: "Benign"; Align-GVGD: "Class C55"). In summary, the available evidence is currently insufficient to determine the role of this variant in disease. Therefore, it has been classified as a Variant of Uncertain Significance.